The following is an entry in ClinVar:

ClinVar aggregate classification (germline): Likely benign (0 of 4 stars; one submission).

Conditions:
FGG-related disorder. Also called: FGG-related condition.

Allele frequency attached by ClinVar (database versions not stated): TOPMed 0.00002; ExAC 0.00005; gnomAD exomes 0.00006.
gnomAD v4.1: 85 of 1,610,672 alleles (0.0053%); highest among the groups gnomAD compares: Non-Finnish European, 0.0072%; no homozygotes.

Submission:

PreventionGenetics, part of Exact Sciences
Classification: Likely benign for FGG-related condition. Last evaluated: 2020-03-12. Review status: no assertion criteria provided. Collection method: clinical testing. Allele origin: germline.
Comment: This variant is classified as likely benign based on ACMG/AMP sequence variant interpretation guidelines (Richards et al. 2015 PMID: 25741868, with internal and published modifications).

NM_021870.3(FGG):c.459G>A (p.Lys153=)

Gene: FGG (fibrinogen gamma chain; minus strand). Cytogenetic location: 4q32.1.
Variant type: single nucleotide variant.
Coding change: c.459G>A on transcript NM_021870.3 (MANE Select); coding-DNA position 459, G replaced by A.
Protein change: p.Lys153=; no amino-acid change (lysine 153 retained).
Molecular consequence: synonymous variant.
Genome position (GRCh38, 1-based): chr4:154,610,140, C>T on the plus strand (G>A on the coding strand, the complement: FGG is on the minus strand). VCF-style: chr4-154610140-C-T. GRCh37 (hg19) VCF-style: chr4-155531292-C-T.
Other names: c.459G>A, p.Lys153= (NM_000509.6).
Identifiers: ClinVar variation 3057928 (VCV003057928.2), dbSNP rs750418989, ClinGen allele CA3115645.